The following is an entry in ClinVar:

ClinVar aggregate classification (germline): Likely benign. Review status: criteria provided, multiple submitters, no conflicts (2 of 4 stars). 2 submissions from 2 submitters: Likely benign (2). Last evaluated 2024-10-02.

Conditions:
SCAPER-related disorder. Also called: SCAPER-related condition.

gnomAD v4.1: 58 of 1,609,710 alleles (0.0036%); highest among the groups gnomAD compares: South Asian, 0.011%; no homozygotes.

Submissions (2):

PreventionGenetics, part of Exact Sciences
Classification: Likely benign for SCAPER-related condition. Last evaluated: 2024-10-02. Review status: criteria provided, single submitter. Criteria: ACMG Guidelines, 2015. Collection method: clinical testing. Allele origin: germline.
Comment: This variant is classified as likely benign based on ACMG/AMP sequence variant interpretation guidelines (Richards et al. 2015 PMID: 25741868, with internal and published modifications).

Blueprint Genetics
Classification: Likely benign. Last evaluated: 2024-09-23. Review status: criteria provided, single submitter. Criteria: ACMG Guidelines, 2015. Collection method: clinical testing. Allele origin: germline.

NM_020843.4(SCAPER):c.4074G>A (p.Ala1358=)

Gene: SCAPER (S-phase cyclin A associated protein in the ER; minus strand). Cytogenetic location: 15q24.3.
Variant type: single nucleotide variant.
Coding change: c.4074G>A on transcript NM_020843.4 (MANE Select); coding-DNA position 4074, G replaced by A.
Protein change: p.Ala1358=; no amino-acid change (alanine 1358 retained).
Molecular consequence: synonymous variant. On other transcripts: non-coding transcript variant (1).
Genome position (GRCh38, 1-based): chr15:76,351,262, C>T on the plus strand (G>A on the coding strand, the complement: SCAPER is on the minus strand). VCF-style: chr15-76351262-C-T. GRCh37 (hg19) VCF-style: chr15-76643603-C-T.
Other names: c.4092G>A (NM_001353009.1); c.3336G>A, p.Ala1112= (NM_001145923.2); c.4092G>A, p.Ala1364= (NM_001353009.2); c.3672G>A, p.Ala1224= (NM_001353010.2, NM_001353012.2); c.3690G>A, p.Ala1230= (NM_001353011.2).
Identifiers: ClinVar variation 4925913 (VCV004925913.2).
Genomic context (GRCh38, chr15:76,351,262, plus strand): 5'-CAAACACATGAAATTTAATTTCAATAGAGACATACCTTTGGGTTGGTAAGGCTGGTTTTC[C>T]GCTTGACCTGGAGTCTGTGCCAAATCCTGTATGAGGAGAGAAAAGTGTTTTTCTATCAAT-3'
Protein context (NP_065894.2, residues 1348-1368): IQDLAQTPGQ[Ala1358=]ENQPYQPKGK